The following is an entry in ClinVar:

NM_006231.4(POLE):c.3415_3420delinsTG (p.Gly1138_Ser1139insTer)

Gene: POLE (DNA polymerase epsilon, catalytic subunit; minus strand). Cytogenetic location: 12q24.33.
Variant type: Indel.
Coding change: c.3415_3420delinsTG on transcript NM_006231.4 (MANE Select); coding-DNA positions 3415 to 3420, AGCGCC replaced by TG.
Protein change: p.Gly1138_Ser1139insTer.
Molecular consequence: nonsense.
Genome position (GRCh38, 1-based): chr12:132,657,388-132,657,393, GGCGCT replaced by CA on the plus strand (AGCGCC replaced by TG on the coding strand, the reverse complement: POLE is on the minus strand). VCF-style: chr12-132657388-GGCGCT-CA. GRCh37 (hg19) VCF-style: chr12-133233974-GGCGCT-CA.
Other names: c.3415_3420delinsTG (NM_006231.2).
Identifiers: ClinVar variation 484563 (VCV000484563.16), dbSNP rs1555225201, ClinGen allele CA658658187.

ClinVar aggregate classification (germline): Conflicting classifications of pathogenicity. Review status: criteria provided, conflicting classifications (1 of 4 stars). 4 submissions from 4 submitters: Pathogenic (1); Likely pathogenic (1); Uncertain significance (1). 1 of the submissions does not count toward it. Last evaluated 2025-07-31.

Conditions:
Hereditary cancer-predisposing syndrome. Also called: Neoplastic Syndromes, Hereditary; Tumor predisposition; Hereditary Cancer Syndrome; Hereditary neoplastic syndrome. Identifiers: Orphanet 140162, MedGen C0027672, MeSH D009386, MONDO:0015356.
POLE-related disorder. Also called: POLE-related disorders; POLE-related condition.

Submissions (4):

Labcorp Genetics (formerly Invitae), Labcorp
Classification: Pathogenic. Last evaluated: 2025-07-31. Review status: criteria provided, single submitter. Criteria: Invitae Variant Classification Sherloc (09022015). Collection method: clinical testing. Allele origin: germline.
Comment: This sequence change creates a premature translational stop signal (p.Ser1139*) in the POLE gene. It is expected to result in an absent or disrupted protein product. Loss-of-function variants in POLE are known to be pathogenic (PMID: 23230001, 25948378, 30503519). This variant is not present in population databases (gnomAD no frequency). This variant has not been reported in the literature in individuals affected with POLE-related conditions. For these reasons, this variant has been classified as Pathogenic.

Ambry Genetics
Classification: Uncertain significance for Hereditary cancer-predisposing syndrome. Last evaluated: 2025-02-20. Review status: criteria provided, single submitter. Criteria: Ambry Variant Classification Scheme 2023. Collection method: clinical testing. Allele origin: germline.
Comment: The c.3415_3420delAGCGCCinsTG variant, located in coding exon 28 of the POLE gene, results from the deletion of 6 nucleotides and insertion of two nucleotides causing a translational frameshift with a predicted alternate stop codon (p.S1139*). This alteration is expected to result in loss of function by premature protein truncation or nonsense-mediated mRNA decay. Although biallelic loss of function of POLE has been associated with autosomal recessive POLE deficiency, haploinsufficiency of POLE has not been established as a mechanism of disease for POLE-related polymerase proofreading-associated polyposis (PPAP) and POLE-related CMMRD-like syndrome. Based on the supporting evidence, this variant is expected to be causative of POLE deficiency when present along with a second pathogenic variant on the other allele; however, its clinical significance for PPAP and POLE-related CMMRD-like syndrome is unclear.

GeneDx
Classification: Likely pathogenic. Last evaluated: 2024-05-05. Review status: criteria provided, single submitter. Criteria: GeneDx Variant Classification Process June 2021. Collection method: clinical testing. Allele origin: germline. Affected: yes.
Comment: Nonsense variant predicted to result in protein truncation or nonsense mediated decay in a gene for which loss of function is a known mechanism of disease; Not observed at significant frequency in large population cohorts (gnomAD); Has not been previously published as pathogenic or benign to our knowledge; This variant is associated with the following publications: (PMID: 23230001, 30503519, 25948378)

PreventionGenetics, part of Exact Sciences
Classification: Likely pathogenic for POLE-related condition. Last evaluated: 2024-05-17. Review status: no assertion criteria provided. Collection method: clinical testing. Allele origin: germline. Not counted in ClinVar's aggregate classification.
Comment: The POLE c.3415_3420delinsTG variant is predicted to result in premature protein termination (p.Ser1139*). To our knowledge, this variant has not been reported in the literature or in a large population database, indicating this variant is rare. Frameshift variants in POLE are expected to be pathogenic. This variant is interpreted as likely pathogenic.

Literature cited by the submitters: PubMed 23230001 (cited by Labcorp Genetics (formerly Invitae), Labcorp); PubMed 25948378 (cited by Labcorp Genetics (formerly Invitae), Labcorp); PubMed 30503519 (cited by Labcorp Genetics (formerly Invitae), Labcorp).